The following is an entry in ClinVar:

NM_006206.6(PDGFRA):c.1611T>G (p.Ile537Met)

Gene: PDGFRA (platelet derived growth factor receptor alpha; plus strand). Cytogenetic location: 4q12.
Variant type: single nucleotide variant.
Coding change: c.1611T>G on transcript NM_006206.6 (MANE Select); coding-DNA position 1611, T replaced by G.
Protein change: p.Ile537Met; replaces isoleucine 537 with methionine.
Molecular consequence: missense variant.
Genome position (GRCh38, 1-based): chr4:54,274,583, T>G. VCF-style: chr4-54274583-T-G. GRCh37 (hg19) VCF-style: chr4-55140750-T-G.
Other names: c.1611T>G, p.Ile537Met (NM_001347827.2, NM_001347829.2); c.1686T>G, p.Ile562Met (NM_001347828.2); c.1650T>G, p.Ile550Met (NM_001347830.2); short protein forms I562M, I537M, I550M.
Identifiers: ClinVar variation 3887344 (VCV003887344.1).
Genomic context (GRCh38, chr4:54,274,583, plus strand): 5'-TCACGTAGCCCTGCGTTCTGAACTCACGGTGGCTGCTGCAGTCCTGGTGCTGTTGGTGAT[T>G]GTGATCATCTCACTTATTGTCCTGGTTGTCATTTGGAAACAGGTAGATATTTTCTCATAA-3'
Protein context (NP_006197.1, residues 527-547): VAAAVLVLLV[Ile537Met]VIISLIVLVV

ClinVar aggregate classification (germline): Uncertain significance (1 of 4 stars; one submission).

Conditions:
Hereditary cancer-predisposing syndrome. Also called: Tumor predisposition; Neoplastic Syndromes, Hereditary; Hereditary Cancer Syndrome; Hereditary neoplastic syndrome. Identifiers: Orphanet 140162, MedGen C0027672, MeSH D009386, MONDO:0015356.

Submission:

Ambry Genetics
Classification: Uncertain significance for Hereditary cancer-predisposing syndrome. Last evaluated: 2024-12-20. Review status: criteria provided, single submitter. Criteria: Ambry Variant Classification Scheme 2023. Collection method: clinical testing. Allele origin: germline.
Comment: The p.I537M variant (also known as c.1611T>G), located in coding exon 10 of the PDGFRA gene, results from a T to G substitution at nucleotide position 1611. The isoleucine at codon 537 is replaced by methionine, an amino acid with highly similar properties. This amino acid position is conserved. In addition, the in silico prediction for this alteration is inconclusive. Based on the available evidence, the clinical significance of this variant remains unclear.